The following is an entry in ClinVar:

ClinVar aggregate classification (germline): Uncertain significance (1 of 4 stars; one submission).

Submission:

Labcorp Genetics (formerly Invitae), Labcorp
Classification: Uncertain significance. Last evaluated: 2024-07-01. Review status: criteria provided, single submitter. Criteria: Invitae Variant Classification Sherloc (09022015). Collection method: clinical testing. Allele origin: germline.
Comment: This sequence change replaces valine, which is neutral and non-polar, with methionine, which is neutral and non-polar, at codon 88 of the TGFB1 protein (p.Val88Met). This variant is not present in population databases (gnomAD no frequency). This variant has not been reported in the literature in individuals affected with TGFB1-related conditions. Advanced modeling of protein sequence and biophysical properties (such as structural, functional, and spatial information, amino acid conservation, physicochemical variation, residue mobility, and thermodynamic stability) performed at Invitae indicates that this missense variant is not expected to disrupt TGFB1 protein function with a negative predictive value of 80%. In summary, the available evidence is currently insufficient to determine the role of this variant in disease. Therefore, it has been classified as a Variant of Uncertain Significance.

NM_000660.7(TGFB1):c.262G>A (p.Val88Met)

Genes: TGFB1 (transforming growth factor beta 1; minus strand), LOC130064510 (ATAC-STARR-seq lymphoblastoid silent region 10661; plus strand). Cytogenetic location: 19q13.2.
Variant type: single nucleotide variant.
Coding change: c.262G>A on transcript NM_000660.7 (MANE Select); coding-DNA position 262, G replaced by A.
Protein change: p.Val88Met; replaces valine 88 with methionine.
Molecular consequence: missense variant.
Genome position (GRCh38, 1-based): chr19:41,352,783, C>T on the plus strand (G>A on the coding strand, the complement: TGFB1 is on the minus strand). VCF-style: chr19-41352783-C-T. GRCh37 (hg19) VCF-style: chr19-41858688-C-T.
Other names: short protein forms V88M.
Identifiers: ClinVar variation 3658459 (VCV003658459.2).